The following is an entry in ClinVar:

ClinVar aggregate classification (germline): Uncertain significance (1 of 4 stars; one submission).

Conditions:
Cohen syndrome (COH1). Also called: PEPPER SYNDROME; Cutis verticis gyrata, retinitis pigmentosa, and sensorineural deafness. Identifiers: Orphanet 193, MedGen C0265223, MONDO:0008999, OMIM 216550.

Allele frequency attached by ClinVar (database versions not stated): gnomAD exomes 0.00001; TOPMed 0.00001.
gnomAD v4.1: 3 of 1,614,054 alleles (0.00019%); highest among the groups gnomAD compares: Admixed American, 0.0017%; no homozygotes.

Submission:

Labcorp Genetics (formerly Invitae), Labcorp
Classification: Uncertain significance for Cohen syndrome. Last evaluated: 2025-03-07. Review status: criteria provided, single submitter. Criteria: Invitae Variant Classification Sherloc (09022015). Collection method: clinical testing. Allele origin: germline.
Comment: This sequence change falls in intron 45 of the VPS13B gene. It does not directly change the encoded amino acid sequence of the VPS13B protein. It affects a nucleotide within the consensus splice site. This variant is present in population databases (no rsID available, gnomAD 0.003%). This variant has not been reported in the literature in individuals affected with VPS13B-related conditions. ClinVar contains an entry for this variant (Variation ID: 2160849). Variants that disrupt the consensus splice site are a relatively common cause of aberrant splicing (PMID: 17576681, 9536098). Algorithms developed to predict the effect of sequence changes on RNA splicing suggest that this variant is not likely to affect RNA splicing. In summary, the available evidence is currently insufficient to determine the role of this variant in disease. Therefore, it has been classified as a Variant of Uncertain Significance.

Literature cited by the submitters: PubMed 17576681; PubMed 9536098.

NM_152564.5(VPS13B):c.8361+3T>C

Gene: VPS13B (vacuolar protein sorting 13 homolog B; plus strand). Cytogenetic location: 8q22.2.
Variant type: single nucleotide variant.
Coding change: c.8361+3T>C on transcript NM_152564.5 (MANE Select); 3 bases into the intron after coding-DNA position 8361, T replaced by C.
Molecular consequence: intron variant.
Genome position (GRCh38, 1-based): chr8:99,817,806, T>C. VCF-style: chr8-99817806-T-C. GRCh37 (hg19) VCF-style: chr8-100830034-T-C.
Other names: c.8436+3T>C (NM_017890.5).
Identifiers: ClinVar variation 2160849 (VCV002160849.2), dbSNP rs1389567985, ClinGen allele CA583870129.